The following is an entry in ClinVar:

NM_007315.4(STAT1):c.1078G>T (p.Val360Phe)

Gene: STAT1 (signal transducer and activator of transcription 1; minus strand). Cytogenetic location: 2q32.2.
Variant type: single nucleotide variant.
Coding change: c.1078G>T on transcript NM_007315.4 (MANE Select); coding-DNA position 1078, G replaced by T.
Protein change: p.Val360Phe; replaces valine 360 with phenylalanine.
Molecular consequence: missense variant. On other transcripts: intron variant (1).
Genome position (GRCh38, 1-based): chr2:190,989,634, C>A on the plus strand (G>T on the coding strand, the complement: STAT1 is on the minus strand). VCF-style: chr2-190989634-C-A. GRCh37 (hg19) VCF-style: chr2-191854360-C-A.
Other names: c.1114G>T, p.Val372Phe (NM_001384891.1); c.1078G>T, p.Val360Phe (NM_139266.3, NM_001384882.1, NM_001384886.1 and 2 more transcripts); c.1037+1594G>T (NM_001384880.1); c.1084G>T, p.Val362Phe (NM_001384881.1, NM_001384884.1); c.979G>T, p.Val327Phe (NM_001384883.1); c.919G>T, p.Val307Phe (NM_001384885.1); c.985G>T, p.Val329Phe (NM_001384887.1); c.988G>T, p.Val330Phe (NM_001384890.1); short protein forms V360F, V362F, V327F, V372F, V329F, V307F, V330F.
Identifiers: ClinVar variation 1505282 (VCV001505282.8), dbSNP rs2125043964, ClinGen allele CA349919889.

ClinVar aggregate classification (germline): Uncertain significance (1 of 4 stars; one submission).

Conditions:
Autoimmune enteropathy and endocrinopathy - susceptibility to chronic infections syndrome. Also called: Immunodeficiency 31C; Immunodeficiency 31C, autosomal dominant. Identifiers: Orphanet 391487, MedGen C3279990, MONDO:0013599, OMIM 614162.
Mendelian susceptibility to mycobacterial diseases due to partial STAT1 deficiency. Also called: Immunodeficiency 31a; IMMUNODEFICIENCY 31A, MYCOBACTERIOSIS, AUTOSOMAL DOMINANT; STAT1 DEFICIENCY, AUTOSOMAL DOMINANT. Identifiers: Orphanet 319595, MedGen C4013950, MONDO:0013956, OMIM 614892.
Immunodeficiency 31B. Also called: STAT1 DEFICIENCY, AUTOSOMAL RECESSIVE; IMMUNODEFICIENCY 31B, MYCOBACTERIAL AND VIRAL INFECTIONS, AUTOSOMAL RECESSIVE. Identifiers: Orphanet 391311, MedGen C3151088, MONDO:0013427, OMIM 613796.

Submission:

Labcorp Genetics (formerly Invitae), Labcorp
Classification: Uncertain significance for Mendelian susceptibility to mycobacterial diseases due to partial STAT1 deficiency; Immunodeficiency 31B; Autoimmune enteropathy and endocrinopathy - susceptibility to chronic infections syndrome. Last evaluated: 2024-05-29. Review status: criteria provided, single submitter. Criteria: Invitae Variant Classification Sherloc (09022015). Collection method: clinical testing. Allele origin: germline.
Comment: This sequence change replaces valine, which is neutral and non-polar, with phenylalanine, which is neutral and non-polar, at codon 360 of the STAT1 protein (p.Val360Phe). This variant is not present in population databases (gnomAD no frequency). This missense change has been observed in individual(s) with STAT1-related conditions (PMID: 34134972). ClinVar contains an entry for this variant (Variation ID: 1505282). An algorithm developed to predict the effect of missense changes on protein structure and function (PolyPhen-2) suggests that this variant is likely to be disruptive. In summary, the available evidence is currently insufficient to determine the role of this variant in disease. Therefore, it has been classified as a Variant of Uncertain Significance.

Literature cited by the submitters: PubMed 34134972.